The following is an entry in ClinVar:

ClinVar aggregate classification (germline): Uncertain significance (1 of 4 stars; one submission).

Conditions:
Inborn genetic diseases. Identifiers: MedGen C0950123, MeSH D030342.

gnomAD v4.1: 2 of 1,607,334 alleles (0.00012%); highest among the groups gnomAD compares: African/African-American, 0.0013%; no homozygotes.

Submission:

Ambry Genetics
Classification: Uncertain significance for Inborn genetic diseases. Last evaluated: 2026-08-11. Review status: criteria provided, single submitter. Criteria: Ambry Variant Classification Scheme 2023. Collection method: clinical testing. Allele origin: germline.
Comment: The p.M463V variant (also known as c.1387A>G), located in coding exon 13 of the ANKRD26 gene, results from an A to G substitution at nucleotide position 1387. The methionine at codon 463 is replaced by valine, an amino acid with highly similar properties. This amino acid position is conserved. In addition, this alteration is predicted to be tolerated by in silico analysis. Based on the available evidence, the clinical significance of this variant remains unclear.

NM_014915.3(ANKRD26):c.1387A>G (p.Met463Val)

Gene: ANKRD26 (ankyrin repeat domain 26; minus strand). Cytogenetic location: 10p12.1.
Variant type: single nucleotide variant.
Coding change: c.1387A>G on transcript NM_014915.3 (MANE Select); coding-DNA position 1387, A replaced by G.
Protein change: p.Met463Val; replaces methionine 463 with valine.
Molecular consequence: missense variant.
Genome position (GRCh38, 1-based): chr10:27,061,219, T>C on the plus strand (A>G on the coding strand, the complement: ANKRD26 is on the minus strand). VCF-style: chr10-27061219-T-C. GRCh37 (hg19) VCF-style: chr10-27350148-T-C.
Other names: c.1387A>G, p.Met463Val (NM_001256053.2); short protein forms M463V.
Identifiers: ClinVar variation 5023504 (VCV005023504.1).